The following is an entry in ClinVar:

ClinVar aggregate classification (germline): Uncertain significance (1 of 4 stars; one submission).

Allele frequency attached by ClinVar (database versions not stated): gnomAD exomes below 0.00001; ExAC 0.00001.
gnomAD v4.1: 2 of 1,614,198 alleles (0.00012%); highest among the groups gnomAD compares: Admixed American, 0.0033%; no homozygotes.

Submission:

Labcorp Genetics (formerly Invitae), Labcorp
Classification: Uncertain significance. Last evaluated: 2022-08-22. Review status: criteria provided, single submitter. Criteria: Invitae Variant Classification Sherloc (09022015). Collection method: clinical testing. Allele origin: germline.
Comment: This variant has not been reported in the literature in individuals affected with YARS2-related conditions. In summary, the available evidence is currently insufficient to determine the role of this variant in disease. Therefore, it has been classified as a Variant of Uncertain Significance. Advanced modeling of protein sequence and biophysical properties (such as structural, functional, and spatial information, amino acid conservation, physicochemical variation, residue mobility, and thermodynamic stability) performed at Invitae indicates that this missense variant is not expected to disrupt YARS2 protein function. This variant is present in population databases (rs749543153, gnomAD 0.003%). This sequence change replaces glutamic acid, which is acidic and polar, with glycine, which is neutral and non-polar, at codon 341 of the YARS2 protein (p.Glu341Gly).

NM_001040436.3(YARS2):c.1022A>G (p.Glu341Gly)

Gene: YARS2 (tyrosyl-tRNA synthetase 2; minus strand). Cytogenetic location: 12p11.21.
Variant type: single nucleotide variant.
Coding change: c.1022A>G on transcript NM_001040436.3 (MANE Select); coding-DNA position 1022, A replaced by G.
Protein change: p.Glu341Gly; replaces glutamic acid 341 with glycine.
Molecular consequence: missense variant.
Genome position (GRCh38, 1-based): chr12:32,750,800, T>C on the plus strand (A>G on the coding strand, the complement: YARS2 is on the minus strand). VCF-style: chr12-32750800-T-C. GRCh37 (hg19) VCF-style: chr12-32903734-T-C.
Other names: short protein forms E341G.
Identifiers: ClinVar variation 1959345 (VCV001959345.4), dbSNP rs749543153, ClinGen allele CA6508014.
Genomic context (GRCh38, chr12:32,750,800, plus strand): 5'-TCTCGTCCATGAACAAGCTTTGTTACTTCTGCTGCCAGTCGTTTCTGAGGACCCCGCCTT[T>C]CTGGCTCTTTGACATGCAGCTGCATGATATGATCAATCTCTGGAAGGGGCAGGAAAGTGA-3'
Protein context (NP_001035526.1, residues 331-351): HIMQLHVKEP[Glu341Gly]RRGPQKRLAA